The following is an entry in ClinVar:

NM_001199107.2(TBC1D24):c.955A>C (p.Lys319Gln)

Gene: TBC1D24 (TBC1 domain family member 24; plus strand). Cytogenetic location: 16p13.3.
Variant type: single nucleotide variant.
Coding change: c.955A>C on transcript NM_001199107.2 (MANE Select); coding-DNA position 955, A replaced by C.
Protein change: p.Lys319Gln; replaces lysine 319 with glutamine.
Molecular consequence: missense variant.
Genome position (GRCh38, 1-based): chr16:2,497,103, A>C. VCF-style: chr16-2497103-A-C. GRCh37 (hg19) VCF-style: chr16-2547104-A-C.
Other names: c.955A>C, p.Lys319Gln (NM_020705.3); short protein forms K319Q.
Identifiers: ClinVar variation 1472639 (VCV001472639.8), dbSNP rs2141872821, ClinGen allele CA394378134.

ClinVar aggregate classification (germline): Uncertain significance (1 of 4 stars; one submission).

Conditions:
Autosomal dominant nonsyndromic hearing loss 65. Also called: Deafness, autosomal dominant 65; TBC1D24-Related Autosomal Dominant Nonsyndromic Hearing Loss (DFNA). Identifiers: Orphanet 90635, MedGen C3892048, MONDO:0014470, OMIM 616044.
Developmental and epileptic encephalopathy, 1 (DEE1). Also called: X-linked infantile spasms; West's syndrome; Tonic spasms with clustering, arrest of psychomotor development and hypsarrhythmia on EEG; X-Linked Infantile Spasm Syndrome; OHTAHARA SYNDROME, X-LINKED; INFANTILE SPASM SYNDROME, X-LINKED 1. Identifiers: MedGen C3463992, MONDO:0010632, OMIM 308350. Disease mechanism: loss of function.

Submission:

Labcorp Genetics (formerly Invitae), Labcorp
Classification: Uncertain significance for Developmental and epileptic encephalopathy, 1; Autosomal dominant nonsyndromic hearing loss 65. Last evaluated: 2021-07-17. Review status: criteria provided, single submitter. Criteria: Invitae Variant Classification Sherloc (09022015). Collection method: clinical testing. Allele origin: germline.
Comment: This sequence change replaces lysine with glutamine at codon 319 of the TBC1D24 protein (p.Lys319Gln). The lysine residue is highly conserved and there is a small physicochemical difference between lysine and glutamine. This variant is not present in population databases (ExAC no frequency). In summary, the available evidence is currently insufficient to determine the role of this variant in disease. Therefore, it has been classified as a Variant of Uncertain Significance. Advanced modeling of protein sequence and biophysical properties (such as structural, functional, and spatial information, amino acid conservation, physicochemical variation, residue mobility, and thermodynamic stability) performed at Invitae indicates that this missense variant is not expected to disrupt TBC1D24 protein function. This variant has not been reported in the literature in individuals affected with TBC1D24-related conditions.